The following is an entry in ClinVar:

NM_001365951.3(KIF1B):c.1456G>A (p.Glu486Lys)

Gene: KIF1B (kinesin family member 1B; plus strand). Cytogenetic location: 1p36.22.
Variant type: single nucleotide variant.
Coding change: c.1456G>A on transcript NM_001365951.3 (MANE Select); coding-DNA position 1456, G replaced by A.
Protein change: p.Glu486Lys; replaces glutamic acid 486 with lysine.
Molecular consequence: missense variant.
Genome position (GRCh38, 1-based): chr1:10,291,103, G>A. VCF-style: chr1-10291103-G-A. GRCh37 (hg19) VCF-style: chr1-10351161-G-A.
Other names: c.1456G>A, p.Glu486Lys (NM_001365952.1); c.1318G>A, p.Glu440Lys (NM_001365953.1, NM_015074.3, NM_183416.4); short protein forms E440K, E486K.
Identifiers: ClinVar variation 1769831 (VCV001769831.2), dbSNP rs2102247592, ClinGen allele CA338312938.

ClinVar aggregate classification (germline): Uncertain significance (1 of 4 stars; one submission).

Submission:

Ambry Genetics
Classification: Uncertain significance. Last evaluated: 2022-02-12. Review status: criteria provided, single submitter. Criteria: Ambry Variant Classification Scheme 2023. Collection method: clinical testing. Allele origin: germline.
Comment: The p.E440K variant (also known as c.1318G>A), located in coding exon 13 of the KIF1B gene, results from a G to A substitution at nucleotide position 1318. The glutamic acid at codon 440 is replaced by lysine, an amino acid with similar properties. This amino acid position is conserved. In addition, this alteration is predicted to be deleterious by in silico analysis. Since supporting evidence is limited at this time, the clinical significance of this alteration remains unclear.